The following is an entry in ClinVar:

NM_001012339.3(DNAJC21):c.983+1G>A

Gene: DNAJC21 (DnaJ heat shock protein family (Hsp40) member C21; plus strand). Cytogenetic location: 5p13.2.
Variant type: single nucleotide variant.
Coding change: c.983+1G>A on transcript NM_001012339.3 (MANE Select); the canonical splice donor site of the intron after coding-DNA position 983, G replaced by A.
Molecular consequence: splice donor variant.
Genome position (GRCh38, 1-based): chr5:34,941,184, G>A. VCF-style: chr5-34941184-G-A. GRCh37 (hg19) VCF-style: chr5-34941289-G-A.
Other names: c.983+1G>A (NM_194283.3, NM_001348420.2, NM_194283.4).
Identifiers: ClinVar variation 222066 (VCV000222066.35), dbSNP rs368148362, ClinGen allele CA3228645.

ClinVar aggregate classification (germline): Pathogenic/Likely pathogenic. Review status: criteria provided, multiple submitters, no conflicts (2 of 4 stars). 10 submissions from 10 submitters: Pathogenic (2); Likely pathogenic (6). 2 of the submissions do not count toward it. Last evaluated 2025-12-30.

Conditions:
DNAJC21-related disorders.
Bone marrow failure syndrome 3 (BMFS3). Identifiers: MedGen C4310744, MONDO:0014887, OMIM 617052.
Shwachman-Diamond syndrome 1 (SDS1). Also called: LIPOMATOSIS OF PANCREAS, CONGENITAL. Identifiers: MedGen C4692625, MONDO:0044204, OMIM 260400.
Inherited bone marrow failure syndrome. Identifiers: MedGen C2986691.

Allele frequency attached by ClinVar (database versions not stated): gnomAD 0.00002 and 0.00003; TOPMed 0.00006; ESP Exome Variant Server 0.00015.
gnomAD v4.1: 98 of 1,613,196 alleles (0.0061%); highest among the groups gnomAD compares: Middle Eastern, 0.016%; no homozygotes.

Submissions (12):

Labcorp Genetics (formerly Invitae), Labcorp
Classification: Likely pathogenic. Last evaluated: 2025-12-30. Review status: criteria provided, single submitter. Criteria: Invitae Variant Classification Sherloc (09022015). Collection method: clinical testing. Allele origin: germline.
Comment: This sequence change affects a donor splice site in intron 7 of the DNAJC21 gene. It is expected to disrupt RNA splicing. Variants that disrupt the donor or acceptor splice site typically lead to a loss of protein function (PMID: 16199547), and loss-of-function variants in DNAJC21 are known to be pathogenic (PMID: 27346687, 28062395). This variant is present in population databases (rs368148362, gnomAD 0.006%). Disruption of this splice site has been observed in individual(s) with clinical features of DNAJC21-related conditions (PMID: 27346687, 35776903). ClinVar contains an entry for this variant (Variation ID: 222066). Algorithms developed to predict the effect of sequence changes on RNA splicing suggest that this variant may disrupt the consensus splice site. In summary, the currently available evidence indicates that the variant is pathogenic, but additional data are needed to prove that conclusively. Therefore, this variant has been classified as Likely Pathogenic.

Genomic Research Center, Shahid Beheshti University of Medical Sciences
Classification: Pathogenic for Bone marrow failure syndrome 3. Last evaluated: 2024-06-09. Review status: criteria provided, single submitter. Criteria: ACMG Guidelines, 2015. Collection method: clinical testing. Allele origin: inherited. Affected: yes. Observed: 1 variant allele.

Department of Pathology and Laboratory Medicine, Sinai Health System
Classification: Likely pathogenic for Bone marrow failure syndrome 3; Shwachman-Diamond syndrome 1. Last evaluated: 2023-02-10. Review status: criteria provided, single submitter. Criteria: ACMG Guidelines, 2015. Collection method: research. Allele origin: germline.

Mendelics
Classification: Likely pathogenic for Shwachman-Diamond syndrome 1. Last evaluated: 2022-05-04. Review status: criteria provided, single submitter. Criteria: Mendelics Assertion Criteria 2019. Collection method: clinical testing. Allele origin: germline.

Blueprint Genetics
Classification: Likely pathogenic for DNAJC21-related disorders. Last evaluated: 2021-04-07. Review status: criteria provided, single submitter. Criteria: ACMG Guidelines, 2015. Collection method: clinical testing. Allele origin: germline. Affected: yes. Observed: 2 variant alleles.

Victorian Clinical Genetics Services, Murdoch Childrens Research Institute
Classification: Likely pathogenic for Bone marrow failure syndrome 3. Last evaluated: 2020-10-19. Review status: criteria provided, single submitter. Criteria: ACMG Guidelines, 2015. Collection method: clinical testing. Allele origin: germline. Inheritance: Autosomal recessive inheritance. Affected: yes.
Comment: Based on the classification scheme VCGS_Germline_v1.1.1, this variant is classified as likely pathogenic. Following criteria are met: 0102 - Loss-of-function is a known mechanism of disease for this gene. (N) 0106 - This gene is known to be associated with autosomal recessive disease. (N) 0211 - Canonical splice site variant without proven consequence on splicing (no functional evidence available) (intron 7 of 11). (P) 0251 - Variant is heterozygous. (N) 0304 - Variant is present in gnomAD <0.01 for a recessive condition (16 heterozygotes, 0 homozygotes). (P) 0505 - Abnormal splicing is predicted by in silico tools and affected nucleotide is highly conserved. (P) 0703 - Comparable variants have moderate previous evidence for pathogenicity. Alternative nucleotide change at the same location has been reported to be pathogenic (ClinVar, PMID: 27346687) (P) 0803 - Low previous evidence of pathogenicity in unrelated individuals as pathogenic (ClinVar, PMID: 29146883), and also once as VUS (ClinVar). (P) 0905 - No segregation evidence has been identified for this variant. (N) 1007 - No published functional evidence has been identified for this variant. (N) Legend: (P) - Pathogenic, (N) - Neutral, (B) - Benign

Genetic Services Laboratory, University of Chicago
Classification: Pathogenic. Last evaluated: 2018-11-19. Review status: criteria provided, single submitter. Criteria: ACMG Guidelines, 2015. Collection method: clinical testing. Allele origin: germline. Affected: yes.
Comment: DNA sequence analysis of the DNAJC21 gene demonstrated a sequence change in the canonical splice donor site of intron 7, c.983+1G>A. This sequence change has been described in EXAC database with a low population frequency of 0.004% (dbSNP rs368148362). This particular sequence change does not appear to have been described in the literature in other patients with DNAJC21-related disorders, however a different pathogenic sequence change affecting the same nucleotide (c.983+1G>T) has been described in a patient with bone marrow failure syndrome in a homozygous state (PMID: 27346687). This pathogenic sequence change is predicted to affect normal splicing of the DNAJC21 gene and result in an abnormal protein which may be degraded.

Neuberg Centre For Genomic Medicine, NCGM
Classification: Likely pathogenic for Bone marrow failure syndrome 3. Review status: criteria provided, single submitter. Criteria: ACMG Guidelines, 2015. Collection method: clinical testing. Allele origin: germline. Inheritance: Autosomal recessive inheritance. Affected: yes.
Comment: The splice donor c.983+1G>A variant in DNAJC21 gene has previously been reported in homozygous state in an individual affected with DNAJC21-related disorders Tummala H, et al., 2016. The .983+1G>A variant has been reported with allele frequency of 0.006% in gnomAD Exomes and is absent in 1000 Genomes. This variant has been reported to the ClinVar database as Uncertain Significance / Pathogenic / Likely Pathogenic multiple submissions. Loss of function variants in DNAJC21 gene have been previously reported to be disease causing Tummala H, et al., 2016; Dhanraj et al., 2017. Therefore, additional functional studies will be required to prove the pathogenicity of this variant. For these reasons, this variant has been classified as Likely Pathogenic.

Istanbul Faculty of Medicine, Istanbul University
Classification: Pathogenic for Bone marrow failure syndrome 3. Last evaluated: 2023-02-15. Review status: no assertion criteria provided. Collection method: clinical testing. Allele origin: germline. Affected: yes. Observed: 4 variant alleles. Clinical features observed: Anemia (HP:0001903), Thrombocytopenia (HP:0001873), Short stature (HP:0004322), Amelogenesis imperfecta (HP:0000705). Not counted in ClinVar's aggregate classification.
Comment: RNA sequencing showed that exon 7 was skipped, causing an 88-nucleotide deletion (r.896_983del). This is predicted to lead in a frameshift in peptide chain, p.(Gly299Alafs*2), which would result a loss-of-function effect in DNAJC21. which would result a loss-of-function effect in DNAJC21. (r.896_983del). This predicted to lead in a frameshift in peptide chain, p.(Gly299Alafs*2), which would result a loss-of-function effect in DNAJC21.

Bone Marrow Failure laboratory, Queen Mary University London
Classification: Pathogenic for Inherited bone marrow failure syndrome. Last evaluated: 2015-12-17. Review status: no assertion criteria provided. Collection method: research. Allele origin: unknown. Affected: yes. Observed: 1 variant allele, 1 homozygote. Not counted in ClinVar's aggregate classification.

Dr. Peter K. Rogan Lab, Western University
No classification provided (evidence only). Condition: Acute myeloid leukemia. Review status: no classification provided. Collection method: in vitro. Allele origin: not applicable. Functional consequence: skipped exon. Not counted in ClinVar's aggregate classification.

Dr. Peter K. Rogan Lab, Western University
No classification provided (evidence only). Condition: Cervical cancer. Review status: no classification provided. Collection method: in vitro. Allele origin: not applicable. Functional consequence: skipped exon. Not counted in ClinVar's aggregate classification.

Literature cited by the submitters: PubMed 16199547 (cited by Labcorp Genetics (formerly Invitae), Labcorp); PubMed 27346687 (cited by 3 submitters); PubMed 28062395 (cited by Labcorp Genetics (formerly Invitae), Labcorp); PubMed 35776903 (cited by Labcorp Genetics (formerly Invitae), Labcorp); PubMed 29146883 (cited by Victorian Clinical Genetics Services, Murdoch Childrens Research Institute).